The following is an entry in ClinVar:

NM_000796.6(DRD3):c.1110G>T (p.Trp370Cys)

Gene: DRD3 (dopamine receptor D3; minus strand). Cytogenetic location: 3q13.31.
Variant type: single nucleotide variant.
Coding change: c.1110G>T on transcript NM_000796.6 (MANE Select); coding-DNA position 1110, G replaced by T.
Protein change: p.Trp370Cys; replaces tryptophan 370 with cysteine.
Molecular consequence: missense variant.
Genome position (GRCh38, 1-based): chr3:114,128,809, C>A on the plus strand (G>T on the coding strand, the complement: DRD3 is on the minus strand). VCF-style: chr3-114128809-C-A. GRCh37 (hg19) VCF-style: chr3-113847656-C-A.
Other names: c.1110G>T, p.Trp370Cys (NM_001282563.2, NM_001290809.1); c.1011G>T, p.Trp337Cys (NM_033663.6); short protein forms W337C, W370C.
Identifiers: ClinVar variation 2633497 (VCV002633497.1), dbSNP rs2107825397, ClinGen allele CA354014133.

ClinVar aggregate classification (germline): Uncertain significance (1 of 4 stars; one submission).

Conditions:
DRD3-related disorder. Also called: DRD3-related condition.

Submission:

PreventionGenetics, part of Exact Sciences
Classification: Uncertain significance for DRD3-related condition. Last evaluated: 2023-03-21. Review status: criteria provided, single submitter. Criteria: ACMG Guidelines, 2015. Collection method: clinical testing. Allele origin: germline.
Comment: The DRD3 c.1110G>T variant is predicted to result in the amino acid substitution p.Trp370Cys. To our knowledge, this variant has not been reported in the literature or in a large population database, indicating this variant is rare. At this time, the clinical significance of this variant is uncertain due to the absence of conclusive functional and genetic evidence.